The following is an entry in ClinVar:

ClinVar aggregate classification (germline): Uncertain significance. Review status: criteria provided, multiple submitters, no conflicts (2 of 4 stars). 2 submissions from 2 submitters: Uncertain significance (2). Last evaluated 2024-12-09.

Allele frequency attached by ClinVar (database versions not stated): gnomAD exomes below 0.00001; ExAC 0.00001; gnomAD 0.00001; TOPMed 0.00001.
gnomAD v4.1: 5 of 1,613,952 alleles (0.00031%); highest among the groups gnomAD compares: Middle Eastern, 0.016%; no homozygotes.

Submissions (2):

Labcorp Genetics (formerly Invitae), Labcorp
Classification: Uncertain significance. Last evaluated: 2024-12-09. Review status: criteria provided, single submitter. Criteria: Invitae Variant Classification Sherloc (09022015). Collection method: clinical testing. Allele origin: germline.
Comment: This sequence change affects codon 885 of the COL11A1 mRNA. It is a 'silent' change, meaning that it does not change the encoded amino acid sequence of the COL11A1 protein. This variant also falls at the last nucleotide of exon 33, which is part of the consensus splice site for this exon. This variant is present in population databases (rs767866438, gnomAD 0.0009%). This variant has not been reported in the literature in individuals affected with COL11A1-related conditions. ClinVar contains an entry for this variant (Variation ID: 1938484). Variants that disrupt the consensus splice site are a relatively common cause of aberrant splicing (PMID: 17576681, 9536098). Algorithms developed to predict the effect of sequence changes on RNA splicing suggest that this variant may disrupt the consensus splice site. In summary, the available evidence is currently insufficient to determine the role of this variant in disease. Therefore, it has been classified as a Variant of Uncertain Significance.

Revvity Omics, Revvity
Classification: Uncertain significance. Last evaluated: 2024-09-09. Review status: criteria provided, single submitter. Criteria: ACMG Guidelines, 2015. Collection method: clinical testing. Allele origin: germline.

Literature cited by the submitters: PubMed 17576681 (cited by Labcorp Genetics (formerly Invitae), Labcorp); PubMed 9536098 (cited by Labcorp Genetics (formerly Invitae), Labcorp).

NM_001854.4(COL11A1):c.2655G>A (p.Thr885=)

Gene: COL11A1 (collagen type XI alpha 1 chain; minus strand). Cytogenetic location: 1p21.1.
Variant type: single nucleotide variant.
Coding change: c.2655G>A on transcript NM_001854.4 (MANE Select); coding-DNA position 2655, G replaced by A.
Protein change: p.Thr885=; no amino-acid change (threonine 885 retained).
Molecular consequence: synonymous variant. On other transcripts: non-coding transcript variant (1).
Genome position (GRCh38, 1-based): chr1:102,979,060, C>T on the plus strand (G>A on the coding strand, the complement: COL11A1 is on the minus strand). VCF-style: chr1-102979060-C-T. GRCh37 (hg19) VCF-style: chr1-103444616-C-T.
Other names: c.2307G>A, p.Thr769= (NM_001168249.1, NM_080630.4); c.2538G>A, p.Thr846= (NM_001190709.2); c.2691G>A, p.Thr897= (NM_080629.3).
Identifiers: ClinVar variation 1938484 (VCV001938484.6), dbSNP rs767866438, ClinGen allele CA974344.